The following is an entry in ClinVar:

ClinVar aggregate classification (germline): Benign. Review status: criteria provided, single submitter (1 of 4 stars). 2 submissions from 2 submitters: Benign (1). 1 of the submissions does not count toward it. Last evaluated 2024-12-10.

Conditions:
GYG1-related disorder. Also called: GYG1-related condition.
Glycogen storage disease XV (GSD15). Also called: GLYCOGENIN DEFICIENCY; GSD XV. Identifiers: Orphanet 263297, MedGen C3150754, MONDO:0013291, OMIM 613507.
Polyglucosan body myopathy type 2. Identifiers: Orphanet 456369, MedGen C4015452, MONDO:0014526, OMIM 616199.

Submissions (2):

Labcorp Genetics (formerly Invitae), Labcorp
Classification: Benign for Polyglucosan body myopathy type 2; Glycogen storage disease XV. Last evaluated: 2024-12-10. Review status: criteria provided, single submitter. Criteria: Invitae Variant Classification Sherloc (09022015). Collection method: clinical testing. Allele origin: germline.

PreventionGenetics, part of Exact Sciences
Classification: Likely benign for GYG1-related condition. Last evaluated: 2021-06-29. Review status: no assertion criteria provided. Collection method: clinical testing. Allele origin: germline. Not counted in ClinVar's aggregate classification.
Comment: This variant is classified as likely benign based on ACMG/AMP sequence variant interpretation guidelines (Richards et al. 2015 PMID: 25741868, with internal and published modifications).

NM_004130.4(GYG1):c.482-8dup

Gene: GYG1 (glycogenin 1; plus strand). Cytogenetic location: 3q24.
Variant type: Duplication.
Coding change: c.482-8dup on transcript NM_004130.4 (MANE Select); 8 bases into the intron before coding-DNA position 482, one base duplicated (T; older notation c.482-8dupT).
Molecular consequence: intron variant.
Genome position (GRCh38, 1-based): chr3:149,009,268, T duplicated; the last of 7 consecutive T bases (chr3:149,009,262-149,009,268); duplicating any one gives the same sequence. VCF-style (leftmost placement, unchanged base first): chr3-149009261-A-AT. GRCh37 (hg19) VCF-style: chr3-148727048-A-AT.
Other names: c.482-8dup (NM_001184720.2, NM_001184721.2).
Identifiers: ClinVar variation 3029410 (VCV003029410.4), dbSNP rs765704284, ClinGen allele CA2658569.